The following is an entry in ClinVar:

NM_182643.3(DLC1):c.1160G>C (p.Arg387Pro)

Gene: DLC1 (DLC1 Rho GTPase activating protein; minus strand). Cytogenetic location: 8p22.
Variant type: single nucleotide variant.
Coding change: c.1160G>C on transcript NM_182643.3 (MANE Select); coding-DNA position 1160, G replaced by C.
Protein change: p.Arg387Pro; replaces arginine 387 with proline.
Molecular consequence: missense variant. On other transcripts: 5 prime UTR variant (1).
Genome position (GRCh38, 1-based): chr8:13,401,483, C>G on the plus strand (G>C on the coding strand, the complement: DLC1 is on the minus strand). VCF-style: chr8-13401483-C-G. GRCh37 (hg19) VCF-style: chr8-13258992-C-G.
Other names: c.1160G>C, p.Arg387Pro (NM_001348081.2, NM_001413124.1, NM_001413125.1 and 1 more transcripts); c.-292G>C (NM_001348082.2); short protein forms R387P.
Identifiers: ClinVar variation 4811359 (VCV004811359.1).
Genomic context (GRCh38, chr8:13,401,483, plus strand): 5'-AGAGTTACGACTCCTATGGGAAAAGAAGTAGAAAGTGGAAAGCTCACAGGAACGTGCCGC[C>G]GCAGGTTTGTTGGTGTGCCTGATGGAGAGGAGCTGGTGCTGAGGGCATTTTCTATGTCCT-3'
Protein context (NP_872584.2, residues 377-397): SSPSGTPTNL[Arg387Pro]RHVPDLESGS

ClinVar aggregate classification (germline): Uncertain significance (1 of 4 stars; one submission).

gnomAD v4.1: 2 of 1,612,254 alleles (0.00012%); highest among the groups gnomAD compares: Non-Finnish European, 0.00017%; no homozygotes.

Submission:

Labcorp Genetics (formerly Invitae), Labcorp
Classification: Uncertain significance. Last evaluated: 2025-11-23. Review status: criteria provided, single submitter. Criteria: Invitae Variant Classification Sherloc (09022015). Collection method: clinical testing. Allele origin: germline.
Comment: This sequence change replaces arginine, which is basic and polar, with proline, which is neutral and non-polar, at codon 387 of the DLC1 protein (p.Arg387Pro). This variant is present in population databases (no rsID available, gnomAD 0.007%). This variant has not been reported in the literature in individuals affected with DLC1-related conditions. An algorithm developed to predict the effect of missense changes on protein structure and function (PolyPhen-2) suggests that this variant is likely to be tolerated. In summary, the available evidence is currently insufficient to determine the role of this variant in disease. Therefore, it has been classified as a Variant of Uncertain Significance.